The following is an entry in ClinVar:

NM_000260.4(MYO7A):c.3436C>T (p.Arg1146Trp)

Gene: MYO7A (myosin VIIA; plus strand). Cytogenetic location: 11q13.5.
Variant type: single nucleotide variant.
Coding change: c.3436C>T on transcript NM_000260.4 (MANE Select); coding-DNA position 3436, C replaced by T.
Protein change: p.Arg1146Trp; replaces arginine 1146 with tryptophan.
Molecular consequence: missense variant.
Genome position (GRCh38, 1-based): chr11:77,184,648, C>T. VCF-style: chr11-77184648-C-T. GRCh37 (hg19) VCF-style: chr11-76895693-C-T.
Other names: c.3436C>T (NM_000260.3); c.3436C>T, p.Arg1146Trp (NM_001127180.2); c.3403C>T, p.Arg1135Trp (NM_001369365.1); short protein forms R1135W, R1146W.
Identifiers: ClinVar variation 2171759 (VCV002171759.19), dbSNP rs1363747362, ClinGen allele CA381946035.
Genomic context (GRCh38, chr11:77,184,648, plus strand): 5'-GTGACCAAGAGGCTGCATGACGGGGAGTCCACAGTGCAGGGCAACAGCATGCTGGAGGAC[C>T]GGCCCACCTCCAACCTGGAGAAGCTGCACTTCATCATCGGCAATGGCATCCTGCGGCCAG-3'
Protein context (NP_000251.3, residues 1136-1156): TVQGNSMLED[Arg1146Trp]PTSNLEKLHF

ClinVar aggregate classification (germline): Uncertain significance. Review status: criteria provided, multiple submitters, no conflicts (2 of 4 stars). 3 submissions from 3 submitters: Uncertain significance (3). Last evaluated 2025-03-06.

Conditions:
Inborn genetic diseases. Identifiers: MedGen C0950123, MeSH D030342.

Allele frequency attached by ClinVar (database versions not stated): gnomAD exomes below 0.00001; gnomAD 0.00003.
gnomAD v4.1: 10 of 1,587,156 alleles (0.00063%); highest among the groups gnomAD compares: African/African-American, 0.0081%; no homozygotes.

Submissions (3):

Labcorp Genetics (formerly Invitae), Labcorp
Classification: Uncertain significance. Last evaluated: 2025-03-06. Review status: criteria provided, single submitter. Criteria: Invitae Variant Classification Sherloc (09022015). Collection method: clinical testing. Allele origin: germline.
Comment: This sequence change replaces arginine, which is basic and polar, with tryptophan, which is neutral and slightly polar, at codon 1146 of the MYO7A protein (p.Arg1146Trp). The frequency data for this variant in the population databases is considered unreliable, as metrics indicate poor data quality at this position in the gnomAD database. This variant has not been reported in the literature in individuals affected with MYO7A-related conditions. ClinVar contains an entry for this variant (Variation ID: 2171759). Invitae Evidence Modeling of protein sequence and biophysical properties (such as structural, functional, and spatial information, amino acid conservation, physicochemical variation, residue mobility, and thermodynamic stability) indicates that this missense variant is expected to disrupt MYO7A protein function with a positive predictive value of 95%. In summary, the available evidence is currently insufficient to determine the role of this variant in disease. Therefore, it has been classified as a Variant of Uncertain Significance.

CeGaT Center for Human Genetics Tuebingen
Classification: Uncertain significance. Last evaluated: 2024-10-01. Review status: criteria provided, single submitter. Criteria: CeGaT Center For Human Genetics Tuebingen Variant Classification Criteria Version 2. Collection method: clinical testing. Allele origin: germline. Affected: yes. Observed: 1 variant allele.
Comment: MYO7A: PM5, PP3

Ambry Genetics
Classification: Uncertain significance for Inborn genetic diseases. Last evaluated: 2024-06-02. Review status: criteria provided, single submitter. Criteria: Ambry Variant Classification Scheme 2023. Collection method: clinical testing. Allele origin: germline.